The following is an entry in ClinVar:

NM_000238.4(KCNH2):c.299G>A (p.Arg100Gln)

Gene: KCNH2 (potassium voltage-gated channel subfamily H member 2; minus strand). Cytogenetic location: 7q36.1.
Variant type: single nucleotide variant.
Coding change: c.299G>A on transcript NM_000238.4 (MANE Select); coding-DNA position 299, G replaced by A.
Protein change: p.Arg100Gln; replaces arginine 100 with glutamine.
Molecular consequence: missense variant.
Genome position (GRCh38, 1-based): chr7:150,974,719, C>T on the plus strand (G>A on the coding strand, the complement: KCNH2 is on the minus strand). VCF-style: chr7-150974719-C-T. GRCh37 (hg19) VCF-style: chr7-150671807-C-T.
Other names: p.R100Q:CGG>CAG; c.299G>A (LRG_288t1); c.122G>A, p.Arg41Gln (NM_001406755.1); c.299G>A, p.Arg100Gln (NM_172056.3); short protein forms R100Q, R41Q.
Identifiers: ClinVar variation 67460 (VCV000067460.11), dbSNP rs199472855, ClinGen allele CA007764.

ClinVar aggregate classification (germline): Conflicting classifications of pathogenicity. Review status: criteria provided, conflicting classifications (1 of 4 stars). 4 submissions from 4 submitters: Pathogenic (1); Uncertain significance (2). 1 of the submissions does not count toward it. Last evaluated 2025-10-02.

Conditions:
Cardiovascular phenotype. Identifiers: MedGen CN230736.
Familial long QT syndrome (RWS). Also called: Congenital long QT syndrome; Romano-Ward syndrome; VENTRICULAR FIBRILLATION WITH PROLONGED QT INTERVAL. Identifiers: Orphanet 768, MedGen C1141890, MONDO:0019171.
Long QT syndrome (LQTS). Identifiers: MedGen C0023976, MeSH D008133, MONDO:0002442. Disease mechanism: loss of function. Inheritance: Various modes of inheritance.

Submissions (4):

GeneDx
Classification: Pathogenic. Last evaluated: 2025-10-02. Review status: criteria provided, single submitter. Criteria: GeneDx Variant Classification Process June 2021. Collection method: clinical testing. Allele origin: germline. Affected: yes.
Comment: Identified in individuals with long QT syndrome referred for genetic testing at GeneDx and in published literature (PMID: 15840476, 19716085); Not observed at significant frequency in large population cohorts (gnomAD); Published functional studies demonstrate a damaging effect of absent parallel trafficking and lower normalized -50mV current density (26%) (PMID: 35688148, 25417810); In silico analysis indicates that this missense variant does not alter protein structure/function; This variant is associated with the following publications: (PMID: 15840476, 19716085, 19862833, 31737537, 37324772, 25417810, 32475984, 35688148)

Labcorp Genetics (formerly Invitae), Labcorp
Classification: Uncertain significance for Long QT syndrome. Last evaluated: 2025-02-02. Review status: criteria provided, single submitter. Criteria: Invitae Variant Classification Sherloc (09022015). Collection method: clinical testing. Allele origin: germline.
Comment: This sequence change replaces arginine, which is basic and polar, with glutamine, which is neutral and polar, at codon 100 of the KCNH2 protein (p.Arg100Gln). This variant is not present in population databases (gnomAD no frequency). This missense change has been observed in individual(s) with clinical features of long QT syndrome and/or long QT syndrome (PMID: 15840476, 31737537; internal data). ClinVar contains an entry for this variant (Variation ID: 67460). An algorithm developed to predict the effect of missense changes on protein structure and function (PolyPhen-2) suggests that this variant is likely to be tolerated. Experimental studies have shown that this missense change affects KCNH2 function (PMID: 25417810, 32475984). This variant disrupts the p.Arg100 amino acid residue in KCNH2. Other variant(s) that disrupt this residue have been observed in individuals with KCNH2-related conditions (PMID: 16922724), which suggests that this may be a clinically significant amino acid residue. In summary, the available evidence is currently insufficient to determine the role of this variant in disease. Therefore, it has been classified as a Variant of Uncertain Significance.

Ambry Genetics
Classification: Uncertain significance for Cardiovascular phenotype. Last evaluated: 2021-08-16. Review status: criteria provided, single submitter. Criteria: Ambry Variant Classification Scheme 2023. Collection method: clinical testing. Allele origin: germline.

Cardiovascular Biomedical Research Unit, Royal Brompton & Harefield NHS Foundation Trust
No classification provided. Condition: Familial long QT syndrome. Review status: no classification provided. Collection method: literature only. Allele origin: germline. Not counted in ClinVar's aggregate classification.
Comment: This variant has been reported as associated with Long QT syndrome in the following publications (PMID:15840476;PMID:19716085). This is a literature report, and does not necessarily reflect the clinical interpretation of the Imperial College / Royal Brompton Cardiovascular Genetics laboratory.

Literature cited by the submitters: PubMed 15840476 (cited by Labcorp Genetics (formerly Invitae), Labcorp and Cardiovascular Biomedical Research Unit, Royal Brompton & Harefield NHS Foundation Trust); PubMed 31737537 (cited by Labcorp Genetics (formerly Invitae), Labcorp); PubMed 25417810 (cited by Labcorp Genetics (formerly Invitae), Labcorp); PubMed 32475984 (cited by Labcorp Genetics (formerly Invitae), Labcorp); PubMed 16922724 (cited by Labcorp Genetics (formerly Invitae), Labcorp); PubMed 19716085 (cited by Cardiovascular Biomedical Research Unit, Royal Brompton & Harefield NHS Foundation Trust); PubMed 22581653 (cited by Cardiovascular Biomedical Research Unit, Royal Brompton & Harefield NHS Foundation Trust).